The following is an entry in ClinVar:

ClinVar aggregate classification (germline): Likely pathogenic (0 of 4 stars; one submission).

Conditions:
Steel syndrome (STLS). Identifiers: Orphanet 438117, MedGen C3554594, MONDO:0014061, OMIM 615155.

Submission:

Lupski Lab, Baylor-Hopkins CMG, Baylor College of Medicine
Classification: Likely pathogenic for Steel syndrome. Last evaluated: 2020-03-17. Review status: no assertion criteria provided. Collection method: research. Allele origin: inherited. Inheritance: Autosomal recessive inheritance. Affected: yes. Observed: 1 homozygote.

NM_032888.4(COL27A1):c.4979_4983del (p.Gly1660fs)

Gene: COL27A1 (collagen type XXVII alpha 1 chain; plus strand). Cytogenetic location: 9q32.
Variant type: Deletion.
Coding change: c.4979_4983del on transcript NM_032888.4 (MANE Select); coding-DNA positions 4979 to 4983, 5 bases deleted (GAGAG; older notation c.4979_4983delGAGAG).
Protein change: p.Gly1660fs; shifts the reading frame from glycine 1660.
Molecular consequence: frameshift variant.
Genome position (GRCh38, 1-based): chr9:114,306,560-114,306,564, GAGAG deleted; deleting any 5 consecutive bases within chr9:114,306,557-114,306,564 gives the same sequence; the c. name uses the placement nearest the transcript's 3' end. VCF-style (leftmost placement, unchanged base first): chr9-114306556-GGAGGA-G. GRCh37 (hg19) VCF-style: chr9-117068836-GGAGGA-G.
Other names: short protein forms G1660fs.
Identifiers: ClinVar variation 828066 (VCV000828066.1), dbSNP rs1829064231, ClinGen allele CA1139661135.